The following is an entry in ClinVar:

NM_006005.3(WFS1):c.2390A>C (p.Asp797Ala)

Gene: WFS1 (wolframin ER transmembrane glycoprotein; plus strand). Cytogenetic location: 4p16.1.
Variant type: single nucleotide variant.
Coding change: c.2390A>C on transcript NM_006005.3 (MANE Select); coding-DNA position 2390, A replaced by C.
Protein change: p.Asp797Ala; replaces aspartic acid 797 with alanine.
Molecular consequence: missense variant.
Genome position (GRCh38, 1-based): chr4:6,302,185, A>C. VCF-style: chr4-6302185-A-C. GRCh37 (hg19) VCF-style: chr4-6303912-A-C.
Other names: c.2390A>C, p.Asp797Ala (NM_001145853.1); short protein forms D797A.
Identifiers: ClinVar variation 3637016 (VCV003637016.2).

ClinVar aggregate classification (germline): Uncertain significance (1 of 4 stars; one submission).

Submission:

Labcorp Genetics (formerly Invitae), Labcorp
Classification: Uncertain significance. Last evaluated: 2024-10-23. Review status: criteria provided, single submitter. Criteria: Invitae Variant Classification Sherloc (09022015). Collection method: clinical testing. Allele origin: germline.
Comment: This sequence change replaces aspartic acid, which is acidic and polar, with alanine, which is neutral and non-polar, at codon 797 of the WFS1 protein (p.Asp797Ala). This variant is not present in population databases (gnomAD no frequency). This variant has not been reported in the literature in individuals affected with WFS1-related conditions. Invitae Evidence Modeling of protein sequence and biophysical properties (such as structural, functional, and spatial information, amino acid conservation, physicochemical variation, residue mobility, and thermodynamic stability) has been performed for this missense variant. However, the output from this modeling did not meet the statistical confidence thresholds required to predict the impact of this variant on WFS1 protein function. This variant disrupts the p.Asp797 amino acid residue in WFS1. Other variant(s) that disrupt this residue have been determined to be pathogenic (PMID: 25250959, 29447883). This suggests that this residue is clinically significant, and that variants that disrupt this residue are likely to be disease-causing. In summary, the available evidence is currently insufficient to determine the role of this variant in disease. Therefore, it has been classified as a Variant of Uncertain Significance.

Literature cited by the submitters: PubMed 25250959; PubMed 29447883.